The following is an entry in ClinVar:

NM_000059.4(BRCA2):c.4861del (p.Cys1621fs)

Gene: BRCA2 (BRCA2 DNA repair associated; plus strand). Cytogenetic location: 13q13.1.
Variant type: Deletion.
Coding change: c.4861del on transcript NM_000059.4 (MANE Select); coding-DNA position 4861, one base deleted (T; older notation c.4861delT).
Protein change: p.Cys1621fs; shifts the reading frame from cysteine 1621.
Molecular consequence: frameshift variant. On other transcripts: non-coding transcript variant (1), intron variant (2).
Genome position (GRCh38, 1-based): chr13:32,339,216, T deleted. VCF-style (leftmost placement, unchanged base first): chr13-32339215-AT-A. GRCh37 (hg19) VCF-style: chr13-32913352-AT-A.
Other names: c.4861del, p.Cys1621fs (NM_001406719.1, NM_001406720.1, NM_001432077.1); c.1910-5342del (NM_001406721.1); c.425-5342del (NM_001406722.1); short protein forms C1621fs.
Identifiers: ClinVar variation 4728872 (VCV004728872.1).

ClinVar aggregate classification (germline): Pathogenic (1 of 4 stars; one submission).

Conditions:
Hereditary breast ovarian cancer syndrome. Also called: Hereditary breast and/or ovarian cancer syndrome; Hereditary breast and ovarian cancer syndrome; Breast and ovarian cancer; Hereditary breast and ovarian cancer syndrome (HBOC); BRCA1- and BRCA2-Associated Hereditary Breast and Ovarian Cancer; Hereditary breast and ovarian cancer. Identifiers: Orphanet 145, MedGen C0677776, MeSH D061325, MONDO:0003582. Disease mechanism: loss of function.

Submission:

Labcorp Genetics (formerly Invitae), Labcorp
Classification: Pathogenic for Hereditary breast ovarian cancer syndrome. Last evaluated: 2026-01-27. Review status: criteria provided, single submitter. Criteria: Invitae Variant Classification Sherloc (09022015). Collection method: clinical testing. Allele origin: germline.
Comment: This sequence change creates a premature translational stop signal (p.Cys1621Valfs*15) in the BRCA2 gene. It is expected to result in an absent or disrupted protein product. Loss-of-function variants in BRCA2 are known to be pathogenic (PMID: 20104584). This variant is not present in population databases (gnomAD no frequency). This variant has not been reported in the literature in individuals affected with BRCA2-related conditions. For these reasons, this variant has been classified as Pathogenic.

Literature cited by the submitters: PubMed 20104584.